The following is an entry in ClinVar:

NM_144687.4(NLRP12):c.1870_1871delinsTT (p.Glu624Leu)

Gene: NLRP12 (NLR family pyrin domain containing 12; minus strand). Cytogenetic location: 19q13.42.
Variant type: Indel.
Coding change: c.1870_1871delinsTT on transcript NM_144687.4 (MANE Select); coding-DNA positions 1870 to 1871, GA replaced by TT.
Protein change: p.Glu624Leu; replaces glutamic acid 624 with leucine.
Molecular consequence: missense variant.
Genome position (GRCh38, 1-based): chr19:53,809,788-53,809,789, TC replaced by AA on the plus strand (GA replaced by TT on the coding strand, the reverse complement: NLRP12 is on the minus strand). VCF-style: chr19-53809788-TC-AA. GRCh37 (hg19) VCF-style: chr19-54313042-TC-AA.
Other names: c.1870_1871delinsTT, p.Glu624Leu (NM_001277126.2, NM_001277129.1); short protein forms E624L.
Identifiers: ClinVar variation 3368957 (VCV003368957.2).

ClinVar aggregate classification (germline): Uncertain significance (1 of 4 stars; one submission).

Submission:

GeneDx
Classification: Uncertain significance. Last evaluated: 2025-04-22. Review status: criteria provided, single submitter. Criteria: GeneDx Variant Classification Process June 2021. Collection method: clinical testing. Allele origin: germline.
Comment: Not observed at significant frequency in large population cohorts (gnomAD); In silico analysis indicates that this variant does not alter protein structure/function; Has not been previously published as pathogenic or benign to our knowledge